The following is an entry in ClinVar:

ClinVar aggregate classification (germline): Uncertain significance (1 of 4 stars; one submission).

Conditions:
Hereditary cancer-predisposing syndrome. Also called: Tumor predisposition; Hereditary neoplastic syndrome; Hereditary Cancer Syndrome; Neoplastic Syndromes, Hereditary. Identifiers: Orphanet 140162, MedGen C0027672, MeSH D009386, MONDO:0015356.

Submission:

Ambry Genetics
Classification: Uncertain significance for Hereditary cancer-predisposing syndrome. Last evaluated: 2023-11-21. Review status: criteria provided, single submitter. Criteria: Ambry Variant Classification Scheme 2023. Collection method: clinical testing. Allele origin: germline.
Comment: The p.M199I variant (also known as c.597G>A), located in coding exon 3 of the XRCC2 gene, results from a G to A substitution at nucleotide position 597. The methionine at codon 199 is replaced by isoleucine, an amino acid with highly similar properties. In one functional study, this variant demonstrated intermediate RAD51 foci formation and rescue of homologous recombination efficiency similar to wildtype (Hilbers FS et al. Hum Mutat, 2016 Sep;37:914-25). This amino acid position is highly conserved in available vertebrate species. In addition, this alteration is predicted to be tolerated by in silico analysis. Since supporting evidence is limited at this time, the clinical significance of this alteration remains unclear.

Literature cited by the submitters: PubMed 27233470.

NM_005431.2(XRCC2):c.597G>A (p.Met199Ile)

Gene: XRCC2 (X-ray repair cross complementing 2; minus strand). Cytogenetic location: 7q36.1.
Variant type: single nucleotide variant.
Coding change: c.597G>A on transcript NM_005431.2 (MANE Select); coding-DNA position 597, G replaced by A.
Protein change: p.Met199Ile; replaces methionine 199 with isoleucine.
Molecular consequence: missense variant.
Genome position (GRCh38, 1-based): chr7:152,648,888, C>T on the plus strand (G>A on the coding strand, the complement: XRCC2 is on the minus strand). VCF-style: chr7-152648888-C-T. GRCh37 (hg19) VCF-style: chr7-152345973-C-T.
Other names: short protein forms M199I.
Identifiers: ClinVar variation 3224686 (VCV003224686.1), dbSNP rs2116987438, ClinGen allele CA370198353.